The following is an entry in ClinVar:

ClinVar aggregate classification (germline): Likely benign. Review status: criteria provided, single submitter (1 of 4 stars). 2 submissions from 2 submitters: Likely benign (1). 1 of the submissions does not count toward it. Last evaluated 2023-11-09.

Conditions:
Inborn genetic diseases. Identifiers: MedGen C0950123, MeSH D030342.
LAMA3-related disorder. Also called: LAMA3-related condition; LAMA3-related disorders.

Allele frequency attached by ClinVar (database versions not stated): TOPMed 0.00008; gnomAD exomes 0.00012; gnomAD 0.00015; ExAC 0.00019.
gnomAD v4.1: 207 of 1,614,110 alleles (0.013%); highest among the groups gnomAD compares: South Asian, 0.066%; no homozygotes.

Submissions (2):

Ambry Genetics
Classification: Likely benign for Inborn genetic diseases. Last evaluated: 2023-11-09. Review status: criteria provided, single submitter. Criteria: Ambry Variant Classification Scheme 2023. Collection method: clinical testing. Allele origin: germline.

PreventionGenetics, part of Exact Sciences
Classification: Uncertain significance for LAMA3-related condition. Last evaluated: 2024-07-27. Review status: no assertion criteria provided. Collection method: clinical testing. Allele origin: germline. Not counted in ClinVar's aggregate classification.
Comment: The LAMA3 c.1375A>G variant is predicted to result in the amino acid substitution p.Ile459Val. To our knowledge, this variant has not been reported in the literature. This variant is reported in 0.082% of alleles in individuals of South Asian descent in gnomAD, which may be too common to be a primary cause of disease. Although we suspect that this variant may be benign, at this time, the clinical significance of this variant is uncertain due to the absence of conclusive functional and genetic evidence.

NM_198129.4(LAMA3):c.1375A>G (p.Ile459Val)

Gene: LAMA3 (laminin subunit alpha 3; plus strand). Cytogenetic location: 18q11.2.
Variant type: single nucleotide variant.
Coding change: c.1375A>G on transcript NM_198129.4 (MANE Select); coding-DNA position 1375, A replaced by G.
Protein change: p.Ile459Val; replaces isoleucine 459 with valine.
Molecular consequence: missense variant. On other transcripts: non-coding transcript variant (1).
Genome position (GRCh38, 1-based): chr18:23,775,893, A>G. VCF-style: chr18-23775893-A-G. GRCh37 (hg19) VCF-style: chr18-21355857-A-G.
Other names: c.1375A>G, p.Ile459Val (NM_001127717.4); c.1375A>G (NM_198129.2); short protein forms I459V.
Identifiers: ClinVar variation 3117422 (VCV003117422.2), dbSNP rs199968275, ClinGen allele CA8914566.